The following is an entry in ClinVar:

NM_006506.5(RASA2):c.384G>T (p.Leu128Phe)

Gene: RASA2 (RAS p21 protein activator 2; plus strand). Cytogenetic location: 3q23.
Variant type: single nucleotide variant.
Coding change: c.384G>T on transcript NM_006506.5 (MANE Select); coding-DNA position 384, G replaced by T.
Protein change: p.Leu128Phe; replaces leucine 128 with phenylalanine.
Molecular consequence: missense variant.
Genome position (GRCh38, 1-based): chr3:141,529,736, G>T. VCF-style: chr3-141529736-G-T. GRCh37 (hg19) VCF-style: chr3-141248578-G-T.
Other names: c.384G>T, p.Leu128Phe (NM_001303245.3, NM_001303246.3); short protein forms L128F.
Identifiers: ClinVar variation 4809118 (VCV004809118.1).

ClinVar aggregate classification (germline): Uncertain significance (1 of 4 stars; one submission).

Submission:

Labcorp Genetics (formerly Invitae), Labcorp
Classification: Uncertain significance. Last evaluated: 2025-11-30. Review status: criteria provided, single submitter. Criteria: Invitae Variant Classification Sherloc (09022015). Collection method: clinical testing. Allele origin: germline.
Comment: This sequence change replaces leucine, which is neutral and non-polar, with phenylalanine, which is neutral and non-polar, at codon 128 of the RASA2 protein (p.Leu128Phe). This variant is not present in population databases (gnomAD no frequency). This variant has not been reported in the literature in individuals affected with RASA2-related conditions. Invitae Evidence Modeling of protein sequence and biophysical properties (such as structural, functional, and spatial information, amino acid conservation, physicochemical variation, residue mobility, and thermodynamic stability) indicates that this missense variant is expected to disrupt RASA2 protein function with a positive predictive value of 80%. In summary, the available evidence is currently insufficient to determine the role of this variant in disease. Therefore, it has been classified as a Variant of Uncertain Significance.